The following is an entry in ClinVar:

ClinVar aggregate classification (germline): Likely benign (0 of 4 stars; one submission).

Conditions:
PLXNA4-related disorder. Also called: PLXNA4-related condition.

gnomAD v4.1: 15 of 1,613,976 alleles (0.00093%); highest among the groups gnomAD compares: Middle Eastern, 0.049%; no homozygotes.

Submission:

PreventionGenetics, part of Exact Sciences
Classification: Likely benign for PLXNA4-related condition. Last evaluated: 2022-01-24. Review status: no assertion criteria provided. Collection method: clinical testing. Allele origin: germline.
Comment: This variant is classified as likely benign based on ACMG/AMP sequence variant interpretation guidelines (Richards et al. 2015 PMID: 25741868, with internal and published modifications).

NM_020911.2(PLXNA4):c.5352G>A (p.Thr1784=)

Gene: PLXNA4 (plexin A4; minus strand). Cytogenetic location: 7q32.3.
Variant type: single nucleotide variant.
Coding change: c.5352G>A on transcript NM_020911.2 (MANE Select); coding-DNA position 5352, G replaced by A.
Protein change: p.Thr1784=; no amino-acid change (threonine 1784 retained).
Molecular consequence: synonymous variant.
Genome position (GRCh38, 1-based): chr7:132,140,685, C>T on the plus strand (G>A on the coding strand, the complement: PLXNA4 is on the minus strand). VCF-style: chr7-132140685-C-T. GRCh37 (hg19) VCF-style: chr7-131825444-C-T.
Other names: c.5352G>A, p.Thr1784= (NM_001393897.1).
Identifiers: ClinVar variation 3357225 (VCV003357225.1).